The following is an entry in ClinVar:

NM_020533.3(MCOLN1):c.801_802del (p.His267fs)

Gene: MCOLN1 (mucolipin TRP cation channel 1; plus strand). Cytogenetic location: 19p13.2.
Variant type: Microsatellite.
Coding change: c.801_802del on transcript NM_020533.3 (MANE Select); coding-DNA positions 801 to 802, 2 bases deleted (CA; older notation c.801_802delCA).
Protein change: p.His267fs; shifts the reading frame from histidine 267.
Molecular consequence: frameshift variant.
Genome position (GRCh38, 1-based): chr19:7,528,181-7,528,182, CA deleted; deleting any 2 consecutive bases within chr19:7,528,177-7,528,182 gives the same sequence; the c. name uses the placement nearest the transcript's 3' end. VCF-style (leftmost placement, unchanged base first): chr19-7528176-GCA-G. GRCh37 (hg19) VCF-style: chr19-7593062-GCA-G.
Other names: short protein forms H267fs.
Identifiers: ClinVar variation 5014120 (VCV005014120.1).

ClinVar aggregate classification (germline): Pathogenic (1 of 4 stars; one submission).

Conditions:
Mucolipidosis type IV (ML4). Also called: ML IV. Identifiers: Orphanet 578, MedGen C0238286, MONDO:0009653, OMIM 252650.

Submission:

Myriad Genetics, Inc.
Classification: Pathogenic for Mucolipidosis type IV. Last evaluated: 2025-02-21. Review status: criteria provided, single submitter. Criteria: Myriad Autosomal Dominant, Autosomal Recessive and X-Linked Classification Criteria (2023). Collection method: clinical testing. Allele origin: unknown.
Comment: NM_020533.2(MCOLN1):c.801_802delCA(H267Qfs*18) is expected to be pathogenic in the context of mucolipidosis IV. This variant is predicted to lead to an abnormal or absent protein product due to the creation of a premature termination codon in MCOLN1, a gene where loss-of-function variants are known to be pathogenic. Please note: this variant was assessed in the context of healthy population screening.